The following is an entry in ClinVar:

NM_033116.6(NEK9):c.59G>A (p.Ser20Asn)

Gene: NEK9 (NIMA related kinase 9; minus strand). Cytogenetic location: 14q24.3.
Variant type: single nucleotide variant.
Coding change: c.59G>A on transcript NM_033116.6 (MANE Select); coding-DNA position 59, G replaced by A.
Protein change: p.Ser20Asn; replaces serine 20 with asparagine.
Molecular consequence: missense variant. On other transcripts: intron variant (1).
Genome position (GRCh38, 1-based): chr14:75,126,863, C>T on the plus strand (G>A on the coding strand, the complement: NEK9 is on the minus strand). VCF-style: chr14-75126863-C-T. GRCh37 (hg19) VCF-style: chr14-75593566-C-T.
Other names: c.59G>A, p.Ser20Asn (NM_001329237.2); c.-136+42G>A (NM_001329238.2); c.59G>A (NM_033116.5); short protein forms S20N.
Identifiers: ClinVar variation 726555 (VCV000726555.6), dbSNP rs202006653, ClinGen allele CA7277335.

ClinVar aggregate classification (germline): Likely benign. Review status: criteria provided, multiple submitters, no conflicts (2 of 4 stars). 3 submissions from 3 submitters: Likely benign (2). 1 of the submissions does not count toward it. Last evaluated 2018-05-18.

Conditions:
NEK9-related disorder. Also called: NEK9-related condition.

Allele frequency attached by ClinVar (database versions not stated): gnomAD exomes 0.00016; ExAC 0.00052; 1000 Genomes Project 30x 0.00062; ESP Exome Variant Server 0.00098; gnomAD 0.00146 and 0.00160; TOPMed 0.00162.
gnomAD v4.1: 362 of 1,529,044 alleles (0.024%); highest among the groups gnomAD compares: African/African-American, 0.47%; 1 homozygote.

Submissions (3):

Labcorp Genetics (formerly Invitae), Labcorp
Classification: Likely benign. Last evaluated: 2018-05-18. Review status: criteria provided, single submitter. Criteria: Invitae Variant Classification Sherloc (09022015). Collection method: clinical testing. Allele origin: germline.

Breakthrough Genomics
Classification: Likely benign. Review status: criteria provided, single submitter. Criteria: ACMG Guidelines, 2015. Collection method: not provided. Allele origin: germline. Inheritance: Autosomal recessive inheritance. Affected: yes.

PreventionGenetics, part of Exact Sciences
Classification: Likely benign for NEK9-related condition. Last evaluated: 2024-02-13. Review status: no assertion criteria provided. Collection method: clinical testing. Allele origin: germline. Not counted in ClinVar's aggregate classification.
Comment: This variant is classified as likely benign based on ACMG/AMP sequence variant interpretation guidelines (Richards et al. 2015 PMID: 25741868, with internal and published modifications).